The following is an entry in ClinVar:

ClinVar aggregate classification (germline): Uncertain significance (1 of 4 stars; one submission).

Conditions:
SETD1A-related disorder. Also called: SETD1A-related condition.

Allele frequency attached by ClinVar (database versions not stated): TOPMed below 0.00001; gnomAD 0.00001; gnomAD exomes 0.00001; ExAC 0.00003.
gnomAD v4.1: 21 of 1,584,570 alleles (0.0013%); highest among the groups gnomAD compares: Non-Finnish European, 0.0017%; no homozygotes.

Submission:

PreventionGenetics, part of Exact Sciences
Classification: Uncertain significance for SETD1A-related condition. Last evaluated: 2023-01-09. Review status: criteria provided, single submitter. Criteria: ACMG Guidelines, 2015. Collection method: clinical testing. Allele origin: germline.
Comment: The SETD1A c.3416G>A variant is predicted to result in the amino acid substitution p.Gly1139Glu. To our knowledge, this variant has not been reported in the literature. This variant is reported in 0.0030% of alleles in individuals of European (Non-Finnish) descent in gnomAD. At this time, the clinical significance of this variant is uncertain due to the absence of conclusive functional and genetic evidence.

NM_014712.3(SETD1A):c.3416G>A (p.Gly1139Glu)

Gene: SETD1A (SET domain containing 1A, histone lysine methyltransferase; plus strand). Cytogenetic location: 16p11.2.
Variant type: single nucleotide variant.
Coding change: c.3416G>A on transcript NM_014712.3 (MANE Select); coding-DNA position 3416, G replaced by A.
Protein change: p.Gly1139Glu; replaces glycine 1139 with glutamic acid.
Molecular consequence: missense variant.
Genome position (GRCh38, 1-based): chr16:30,979,202, G>A. VCF-style: chr16-30979202-G-A. GRCh37 (hg19) VCF-style: chr16-30990523-G-A.
Other names: short protein forms G1139E.
Identifiers: ClinVar variation 2631849 (VCV002631849.1), dbSNP rs761450041, ClinGen allele CA8017275.